The following is an entry in ClinVar:

NM_031965.2(HASPIN):c.910G>A (p.Gly304Arg)

Genes: HASPIN (histone H3 associated protein kinase; plus strand), ITGAE (integrin subunit alpha E; minus strand). Cytogenetic location: 17p13.2.
Variant type: single nucleotide variant.
Coding change: c.910G>A on transcript NM_031965.2 (MANE Select); coding-DNA position 910, G replaced by A.
Protein change: p.Gly304Arg; replaces glycine 304 with arginine.
Molecular consequence: missense variant. On other transcripts: intron variant (3).
Genome position (GRCh38, 1-based): chr17:3,724,845, G>A. VCF-style: chr17-3724845-G-A. GRCh37 (hg19) VCF-style: chr17-3628139-G-A.
Other names: c.3007-1101C>T (NM_001425071.1); c.3084+3074C>T (NM_001425072.1); c.3085-1101C>T (NM_002208.5); short protein forms G304R.
Identifiers: ClinVar variation 4674953 (VCV004674953.1).

ClinVar aggregate classification (germline): Uncertain significance (1 of 4 stars; one submission).

gnomAD v4.1: 61 of 1,614,100 alleles (0.0038%); highest among the groups gnomAD compares: Admixed American, 0.023%; no homozygotes.

Submission:

Ambry Genetics
Classification: Uncertain significance. Last evaluated: 2025-10-07. Review status: criteria provided, single submitter. Criteria: Ambry Variant Classification Scheme 2023. Collection method: clinical testing. Allele origin: germline.
Comment: The c.910G>A (p.G304R) alteration is located in exon 1 (coding exon 1) of the GSG2 gene. This alteration results from a G to A substitution at nucleotide position 910, causing the glycine (G) at amino acid position 304 to be replaced by an arginine (R). Based on data from gnomAD, the A allele has an overall frequency of 0.003% (8/250954) total alleles studied. The highest observed frequency was 0.017% (6/34582) of Latino alleles. Based on insufficient or conflicting evidence, the clinical significance of this alteration remains unclear.